The following is an entry in ClinVar:

ClinVar aggregate classification (germline): Pathogenic (1 of 4 stars; one submission).

Conditions:
Hereditary cancer-predisposing syndrome. Also called: Neoplastic Syndromes, Hereditary; Tumor predisposition; Hereditary Cancer Syndrome; Hereditary neoplastic syndrome. Identifiers: Orphanet 140162, MedGen C0027672, MeSH D009386, MONDO:0015356.

Submission:

Ambry Genetics
Classification: Pathogenic for Hereditary cancer-predisposing syndrome. Last evaluated: 2017-09-29. Review status: criteria provided, single submitter. Criteria: Ambry Variant Classification Scheme 2023. Collection method: clinical testing. Allele origin: germline.
Comment: The c.3044delT pathogenic mutation, located in coding exon 4 of the MSH6 gene, results from a deletion of one nucleotide at nucleotide position 3044, causing a translational frameshift with a predicted alternate stop codon (p.L1015Wfs*5). This alteration is expected to result in loss of function by premature protein truncation or nonsense-mediated mRNA decay. As such, this alteration is interpreted as a disease-causing mutation.

NM_000179.3(MSH6):c.3044del (p.Leu1015fs)

Gene: MSH6 (mutS homolog 6; plus strand). Cytogenetic location: 2p16.3.
Variant type: Deletion.
Coding change: c.3044del on transcript NM_000179.3 (MANE Select); coding-DNA position 3044, one base deleted (T; older notation c.3044delT).
Protein change: p.Leu1015fs; shifts the reading frame from leucine 1015.
Molecular consequence: frameshift variant.
Genome position (GRCh38, 1-based): chr2:47,801,027, T deleted; the last of 2 consecutive T bases (chr2:47,801,026-47,801,027); deleting either gives the same sequence. VCF-style (leftmost placement, unchanged base first): chr2-47801025-GT-G. GRCh37 (hg19) VCF-style: chr2-48028164-GT-G.
Other names: c.2138delT, p.Leu713Trpfs (NM_001406814.1, NM_001406815.1, NM_001406816.1 and 4 more transcripts); c.2747delT, p.Leu916Trpfs (NM_001406818.1, NM_001406819.1, NM_001406820.1 and 10 more transcripts); c.2876delT, p.Leu959Trpfs (NM_001406826.1); c.989delT, p.Leu330Trpfs (NM_001407362.1); c.2654del, p.Leu885fs (NM_001281492.2); c.2138del, p.Leu713fs (NM_001281493.2, NM_001281494.2); c.3140delT, p.Leu1047Trpfs (NM_001406795.1, NM_001406802.1); c.3044delT, p.Leu1015Trpfs (NM_001406796.1, NM_001406798.1, NM_001406800.1 and 2 more transcripts); and 3 more; short protein forms L1015fs, L713fs, L885fs.
Identifiers: ClinVar variation 1799185 (VCV001799185.2), dbSNP rs2530709674, ClinGen allele CA2580068120.